The following is an entry in ClinVar:

NM_000038.6(APC):c.5628G>C (p.Arg1876Ser)

Gene: APC (APC regulator of Wnt signaling pathway; plus strand). Cytogenetic location: 5q22.2.
Variant type: single nucleotide variant.
Coding change: c.5628G>C on transcript NM_000038.6 (MANE Select); coding-DNA position 5628, G replaced by C.
Protein change: p.Arg1876Ser; replaces arginine 1876 with serine.
Molecular consequence: missense variant. On other transcripts: non-coding transcript variant (2).
Genome position (GRCh38, 1-based): chr5:112,841,222, G>C. VCF-style: chr5-112841222-G-C. GRCh37 (hg19) VCF-style: chr5-112176919-G-C.
Other names: c.5628G>C, p.Arg1876Ser (NM_001127510.3, NM_001354895.2, NM_001407450.1); c.5574G>C, p.Arg1858Ser (NM_001127511.3); c.5682G>C, p.Arg1894Ser (NM_001354896.2, NM_001407447.1, NM_001407448.1 and 1 more transcripts); c.5658G>C, p.Arg1886Ser (NM_001354897.2); c.5553G>C, p.Arg1851Ser (NM_001354898.2); c.5544G>C, p.Arg1848Ser (NM_001354899.2); c.5505G>C, p.Arg1835Ser (NM_001354900.2); c.5451G>C, p.Arg1817Ser (NM_001354901.2, NM_001407453.1); and 11 more; short protein forms R1492S, R1593S, R1716S, R1747S, R1750S, R1775S, R1785S, R1793S.
Identifiers: ClinVar variation 4801497 (VCV004801497.1).

ClinVar aggregate classification (germline): Uncertain significance (1 of 4 stars; one submission).

Conditions:
Familial adenomatous polyposis 1 (FAP1). Also called: FAMILIAL ADENOMATOUS POLYPOSIS 1, ATTENUATED; POLYPOSIS, ADENOMATOUS INTESTINAL. Identifiers: MedGen C2713442, MONDO:0021056, OMIM 175100. Disease mechanism: loss of function.

Submission:

Labcorp Genetics (formerly Invitae), Labcorp
Classification: Uncertain significance for Familial adenomatous polyposis 1. Last evaluated: 2025-12-20. Review status: criteria provided, single submitter. Criteria: Invitae Variant Classification Sherloc (09022015). Collection method: clinical testing. Allele origin: germline.
Comment: This sequence change replaces arginine, which is basic and polar, with serine, which is neutral and polar, at codon 1876 of the APC protein (p.Arg1876Ser). This variant is not present in population databases (gnomAD no frequency). This variant has not been reported in the literature in individuals affected with APC-related conditions. Invitae Evidence Modeling of protein sequence and biophysical properties (such as structural, functional, and spatial information, amino acid conservation, physicochemical variation, residue mobility, and thermodynamic stability) indicates that this missense variant is not expected to disrupt APC protein function with a negative predictive value of 95%. In summary, the available evidence is currently insufficient to determine the role of this variant in disease. Therefore, it has been classified as a Variant of Uncertain Significance.